The following is an entry in ClinVar:

ClinVar aggregate classification (germline): Uncertain significance (1 of 4 stars; one submission).

Submission:

Mayo Clinic Laboratories, Mayo Clinic
Classification: Uncertain significance. Last evaluated: 2025-06-27. Review status: criteria provided, single submitter. Criteria: ACMG Guidelines, 2015. Collection method: clinical testing. Allele origin: germline. Observed: 1 variant allele.
Comment: PP2

NM_021830.5(TWNK):c.235C>T (p.Arg79Trp)

Gene: TWNK (twinkle mtDNA helicase; plus strand). Cytogenetic location: 10q24.31.
Variant type: single nucleotide variant.
Coding change: c.235C>T on transcript NM_021830.5 (MANE Select); coding-DNA position 235, C replaced by T.
Protein change: p.Arg79Trp; replaces arginine 79 with tryptophan.
Molecular consequence: missense variant. On other transcripts: non-coding transcript variant (4), intron variant (3).
Genome position (GRCh38, 1-based): chr10:100,988,445, C>T. VCF-style: chr10-100988445-C-T. GRCh37 (hg19) VCF-style: chr10-102748202-C-T.
Other names: p.Arg79Trp; c.235C>T, p.Arg79Trp (NM_001163812.2); c.-120+832C>T (NM_001163814.2, NM_001163813.2); c.-58+832C>T (NM_001368275.1); short protein forms R79W.
Identifiers: ClinVar variation 4541574 (VCV004541574.1).